The following is an entry in ClinVar:

NM_005085.4(NUP214):c.1585T>C (p.Ser529Pro)

Gene: NUP214 (nucleoporin 214; plus strand). Cytogenetic location: 9q34.13.
Variant type: single nucleotide variant.
Coding change: c.1585T>C on transcript NM_005085.4 (MANE Select); coding-DNA position 1585, T replaced by C.
Protein change: p.Ser529Pro; replaces serine 529 with proline.
Molecular consequence: missense variant.
Genome position (GRCh38, 1-based): chr9:131,144,570, T>C. VCF-style: chr9-131144570-T-C. GRCh37 (hg19) VCF-style: chr9-134019957-T-C.
Other names: c.1585T>C, p.Ser529Pro (NM_001318324.2); short protein forms S529P.
Identifiers: ClinVar variation 1699776 (VCV001699776.2), dbSNP rs766989969, ClinGen allele CA5289048.

ClinVar aggregate classification (germline): Uncertain significance (1 of 4 stars; one submission).

Allele frequency attached by ClinVar (database versions not stated): TOPMed 0.00001; ExAC 0.00002; gnomAD exomes 0.00002.

Submission:

GeneDx
Classification: Uncertain significance. Last evaluated: 2022-01-26. Review status: criteria provided, single submitter. Criteria: GeneDx Variant Classification Process June 2021. Collection method: clinical testing. Allele origin: germline. Affected: yes.
Comment: In silico analysis supports that this missense variant does not alter protein structure/function; Has not been previously published as pathogenic or benign to our knowledge